The following is an entry in ClinVar:

ClinVar aggregate classification (germline): Uncertain significance (1 of 4 stars; one submission).

Allele frequency attached by ClinVar (database versions not stated): gnomAD exomes below 0.00001.
gnomAD v4.1: 1 of 1,613,808 alleles (0.000062%); highest among the groups gnomAD compares: Non-Finnish European, 0.000085%; no homozygotes.

Submission:

Labcorp Genetics (formerly Invitae), Labcorp
Classification: Uncertain significance. Last evaluated: 2024-10-17. Review status: criteria provided, single submitter. Criteria: Invitae Variant Classification Sherloc (09022015). Collection method: clinical testing. Allele origin: germline.
Comment: This sequence change replaces threonine, which is neutral and polar, with alanine, which is neutral and non-polar, at codon 953 of the SETD5 protein (p.Thr953Ala). This variant is not present in population databases (gnomAD no frequency). This variant has not been reported in the literature in individuals affected with SETD5-related conditions. Invitae Evidence Modeling of protein sequence and biophysical properties (such as structural, functional, and spatial information, amino acid conservation, physicochemical variation, residue mobility, and thermodynamic stability) indicates that this missense variant is not expected to disrupt SETD5 protein function with a negative predictive value of 80%. In summary, the available evidence is currently insufficient to determine the role of this variant in disease. Therefore, it has been classified as a Variant of Uncertain Significance.

NM_001080517.3(SETD5):c.2857A>G (p.Thr953Ala)

Gene: SETD5 (SET domain containing 5; plus strand). Cytogenetic location: 3p25.3.
Variant type: single nucleotide variant.
Coding change: c.2857A>G on transcript NM_001080517.3 (MANE Select); coding-DNA position 2857, A replaced by G.
Protein change: p.Thr953Ala; replaces threonine 953 with alanine.
Molecular consequence: missense variant.
Genome position (GRCh38, 1-based): chr3:9,470,591, A>G. VCF-style: chr3-9470591-A-G. GRCh37 (hg19) VCF-style: chr3-9512275-A-G.
Other names: c.2563A>G, p.Thr855Ala (NM_001292043.2, NM_001349451.2); short protein forms T855A, T953A.
Identifiers: ClinVar variation 2757463 (VCV002757463.3), dbSNP rs2473805564, ClinGen allele CA351680420.